The following is an entry in ClinVar:

ClinVar aggregate classification (germline): Uncertain significance. Review status: criteria provided, multiple submitters, no conflicts (2 of 4 stars). 2 submissions from 2 submitters: Uncertain significance (2). Last evaluated 2025-09-20.

gnomAD v4.1: 1 of 1,613,710 alleles (0.000062%); highest among the groups gnomAD compares: Non-Finnish European, 0.000085%; no homozygotes.

Submissions (2):

Labcorp Genetics (formerly Invitae), Labcorp
Classification: Uncertain significance. Last evaluated: 2025-09-20. Review status: criteria provided, single submitter. Criteria: Invitae Variant Classification Sherloc (09022015). Collection method: clinical testing. Allele origin: germline.
Comment: This sequence change replaces alanine, which is neutral and non-polar, with valine, which is neutral and non-polar, at codon 671 of the SLC4A1 protein (p.Ala671Val). This variant is present in population databases (no rsID available, gnomAD 0.0009%). This variant has not been reported in the literature in individuals affected with SLC4A1-related conditions. Invitae Evidence Modeling of protein sequence and biophysical properties (such as structural, functional, and spatial information, amino acid conservation, physicochemical variation, residue mobility, and thermodynamic stability) indicates that this missense variant is expected to disrupt SLC4A1 protein function with a positive predictive value of 80%. In summary, the available evidence is currently insufficient to determine the role of this variant in disease. Therefore, it has been classified as a Variant of Uncertain Significance.

Mayo Clinic Laboratories, Mayo Clinic
Classification: Uncertain significance. Last evaluated: 2025-09-12. Review status: criteria provided, single submitter. Criteria: ACMG Guidelines, 2015. Collection method: clinical testing. Allele origin: germline. Observed: 1 variant allele.
Comment: PP3_strong, PM2_supporting

NM_000342.4(SLC4A1):c.2012C>T (p.Ala671Val)

Gene: SLC4A1 (solute carrier family 4 member 1 (Diego blood group); minus strand). Cytogenetic location: 17q21.31.
Variant type: single nucleotide variant.
Coding change: c.2012C>T on transcript NM_000342.4 (MANE Select); coding-DNA position 2012, C replaced by T.
Protein change: p.Ala671Val; replaces alanine 671 with valine.
Molecular consequence: missense variant.
Genome position (GRCh38, 1-based): chr17:44,254,541, G>A on the plus strand (C>T on the coding strand, the complement: SLC4A1 is on the minus strand). VCF-style: chr17-44254541-G-A. GRCh37 (hg19) VCF-style: chr17-42331909-G-A.
Other names: p.Ala671Val; short protein forms A671V.
Identifiers: ClinVar variation 4542165 (VCV004542165.2).